The following is an entry in ClinVar:

ClinVar aggregate classification (germline): Benign. Review status: criteria provided, multiple submitters, no conflicts (2 of 4 stars). 2 submissions from 2 submitters: Benign (2). Last evaluated 2018-01-13.

Conditions:
Pulmonary hypertension, primary, 1 (PPH1). Also called: Pulmonary hypertension, familial primary, 1, with or without HHT. Identifiers: Orphanet 422, MedGen C4552070, MONDO:0024533, OMIM 178600.

Allele frequency attached by ClinVar (database versions not stated): gnomAD 0.11040 and 0.11026; 1000 Genomes Project 0.08007; TOPMed 0.10167; 1000 Genomes Project 30x 0.08151.

Submissions (2):

Illumina Laboratory Services, Illumina
Classification: Benign for Pulmonary hypertension, primary, 1. Last evaluated: 2018-01-13. Review status: criteria provided, single submitter. Criteria: ICSL Variant Classification Criteria 13 December 2019. Collection method: clinical testing. Allele origin: germline.
Comment: This variant was observed in the ICSL laboratory as part of a predisposition screen in an ostensibly healthy population. It had not been previously curated by ICSL or reported in the Human Gene Mutation Database (HGMD: prior to June 1st, 2018), and was therefore a candidate for classification through an automated scoring system. Utilizing variant allele frequency, disease prevalence and penetrance estimates, and inheritance mode, an automated score was calculated to assess if this variant is too frequent to cause the disease. Based on the score and internal cut-off values, a variant classified as benign is not then subjected to further curation. The score for this variant resulted in a classification of benign for this disease.

Breakthrough Genomics
Classification: Benign. Review status: criteria provided, single submitter. Criteria: ACMG Guidelines, 2015. Collection method: not provided. Allele origin: germline. Inheritance: Autosomal dominant inheritance. Affected: yes.

NM_001204.7(BMPR2):c.*3907G>C

Gene: BMPR2 (bone morphogenetic protein receptor type 2; plus strand). Cytogenetic location: 2q33.2.
Variant type: single nucleotide variant.
Coding change: c.*3907G>C on transcript NM_001204.7 (MANE Select); 3907 bases downstream of the stop codon, G replaced by C.
Molecular consequence: 3 prime UTR variant.
Genome position (GRCh38, 1-based): chr2:202,563,853, G>C. VCF-style: chr2-202563853-G-C. GRCh37 (hg19) VCF-style: chr2-203428576-G-C.
Other names: c.*3907G>C (LRG_712t1).
Identifiers: ClinVar variation 333695 (VCV000333695.6), dbSNP rs6705406, ClinGen allele CA10612086.